The following is an entry in ClinVar:

ClinVar aggregate classification (germline): Likely benign. Review status: criteria provided, multiple submitters, no conflicts (2 of 4 stars). 4 submissions from 4 submitters: Likely benign (3). 1 of the submissions does not count toward it. Last evaluated 2025-12-30.

Conditions:
GABRB1-related disorder. Also called: GABRB1-related condition.

Allele frequency attached by ClinVar (database versions not stated): ESP Exome Variant Server 0.00008; gnomAD exomes 0.00018 and 0.00038; TOPMed 0.00019; gnomAD 0.00021; ExAC 0.00035.
gnomAD v4.1: 315 of 1,614,162 alleles (0.02%); highest among the groups gnomAD compares: Middle Eastern, 0.61%; 3 homozygotes.

Submissions (4):

Labcorp Genetics (formerly Invitae), Labcorp
Classification: Likely benign. Last evaluated: 2025-12-30. Review status: criteria provided, single submitter. Criteria: Invitae Variant Classification Sherloc (09022015). Collection method: clinical testing. Allele origin: germline.

Blueprint Genetics
Classification: Likely benign. Last evaluated: 2024-11-22. Review status: criteria provided, single submitter. Criteria: ACMG Guidelines, 2015. Collection method: clinical testing. Allele origin: germline.

Breakthrough Genomics
Classification: Likely benign. Review status: criteria provided, single submitter. Criteria: ACMG Guidelines, 2015. Collection method: not provided. Allele origin: germline. Inheritance: Autosomal dominant inheritance. Affected: yes.

PreventionGenetics, part of Exact Sciences
Classification: Likely benign for GABRB1-related condition. Last evaluated: 2020-01-07. Review status: no assertion criteria provided. Collection method: clinical testing. Allele origin: germline. Not counted in ClinVar's aggregate classification.
Comment: This variant is classified as likely benign based on ACMG/AMP sequence variant interpretation guidelines (Richards et al. 2015 PMID: 25741868, with internal and published modifications).

NM_000812.4(GABRB1):c.879C>T (p.Leu293=)

Gene: GABRB1 (gamma-aminobutyric acid type A receptor subunit beta1; plus strand). Cytogenetic location: 4p12.
Variant type: single nucleotide variant.
Coding change: c.879C>T on transcript NM_000812.4 (MANE Select); coding-DNA position 879, C replaced by T.
Protein change: p.Leu293=; no amino-acid change (leucine 293 retained).
Molecular consequence: synonymous variant.
Genome position (GRCh38, 1-based): chr4:47,406,725, C>T. VCF-style: chr4-47406725-C-T. GRCh37 (hg19) VCF-style: chr4-47408742-C-T.
Identifiers: ClinVar variation 788780 (VCV000788780.13), dbSNP rs80178222, ClinGen allele CA2907709.